The following is an entry in ClinVar:

NC_000007.14:g.107660799A>G

Genes: SLC26A4 (solute carrier family 26 member 4; plus strand), SLC26A4-AS1 (SLC26A4 antisense RNA 1; minus strand). Cytogenetic location: 7q22.3.
Variant type: single nucleotide variant.
Genome position: GRCh38 VCF-style: chr7-107660799-A-G. GRCh37 (hg19) VCF-style: chr7-107301244-A-G.
Identifiers: ClinVar variation 666917 (VCV000666917.14), dbSNP rs545973091, ClinGen allele CA164206232.

ClinVar aggregate classification (germline): Conflicting classifications of pathogenicity. Review status: criteria provided, conflicting classifications (1 of 4 stars). 3 submissions from 3 submitters: Uncertain significance (2); Likely benign (1). Last evaluated 2023-09-15.

Conditions:
SLC26A4-related disorder. Also called: SLC26A4-related condition; SLC26A4-related disorders.

Allele frequency attached by ClinVar (database versions not stated): 1000 Genomes Project 30x 0.00016; gnomAD 0.00031 and 0.00034; 1000 Genomes Project 0.00020; TOPMed 0.00038.

Submissions (3):

PreventionGenetics, part of Exact Sciences
Classification: Uncertain significance for SLC26A4-related condition. Last evaluated: 2023-09-15. Review status: criteria provided, single submitter. Criteria: ACMG Guidelines, 2015. Collection method: clinical testing. Allele origin: germline.
Comment: The SLC26A4 c.-60A>G variant is located in the 5' untranslated region. This variant was reported in an individual with hearing loss due to an enlarged vestibular aqueduct (Choi et al 2009. PubMed ID: 19204907). This variant is reported in 0.15% of alleles in individuals of African descent in gnomAD. At this time, the clinical significance of this variant is uncertain due to the absence of conclusive functional and genetic evidence.

Labcorp Genetics (formerly Invitae), Labcorp
Classification: Likely benign. Last evaluated: 2023-09-08. Review status: criteria provided, single submitter. Criteria: Invitae Variant Classification Sherloc (09022015). Collection method: clinical testing. Allele origin: germline.

Laboratory for Molecular Medicine, Mass General Brigham Personalized Medicine
Classification: Uncertain significance. Last evaluated: 2018-12-19. Review status: criteria provided, single submitter. Criteria: LMM Criteria. Collection method: clinical testing. Allele origin: germline. Observed: 1 variant allele.
Comment: The c.-60A>G variant in SLC26A4 has been previously reported in 1 individual wit h unilateral enlarged vestibular aqueduct (Choi 2009), but has also been identif ied in 0.15% (13/8710) of African chromosomes by gnomAD. This variant is in the 5' untranslated region and the impact, if any , on the protein is unknown. In summary, the clinical significance of this varia nt is uncertain. ACMG/AMP criteria: BS1_Supporting.

Literature cited by the submitters: PubMed 19204907 (cited by Laboratory for Molecular Medicine, Mass General Brigham Personalized Medicine).